The following is an entry in ClinVar:

ClinVar aggregate classification (germline): Uncertain significance (1 of 4 stars; one submission).

Conditions:
Autosomal recessive limb-girdle muscular dystrophy type 2O. Also called: Limb-Girdle Muscular Dystrophy Type 3C; MUSCULAR DYSTROPHY-DYSTROGLYCANOPATHY (LIMB-GIRDLE), TYPE C, 3; MUSCULAR DYSTROPHY-DYSTROGLYCANOPATHY, LIMB-GIRDLE, POMGNT1-RELATED. Identifiers: Orphanet 206564, MedGen C3150417, MONDO:0013161, OMIM 613157.
Muscular dystrophy-dystroglycanopathy (congenital with impaired intellectual development), type B, 3. Also called: Muscular dystrophy-dystroglycanopathy (congenital with intellectual disability), type B3; MUSCULAR DYSTROPHY, CONGENITAL, POMGNT1-RELATED. Identifiers: MedGen C3150412, MONDO:0013155, OMIM 613151.

Submission:

Labcorp Genetics (formerly Invitae), Labcorp
Classification: Uncertain significance for Autosomal recessive limb-girdle muscular dystrophy type 2O; Muscular dystrophy-dystroglycanopathy (congenital with impaired intellectual development), type B, 3. Last evaluated: 2023-06-26. Review status: criteria provided, single submitter. Criteria: Invitae Variant Classification Sherloc (09022015). Collection method: clinical testing. Allele origin: germline.
Comment: Advanced modeling of protein sequence and biophysical properties (such as structural, functional, and spatial information, amino acid conservation, physicochemical variation, residue mobility, and thermodynamic stability) performed at Invitae indicates that this missense variant is not expected to disrupt POMGNT1 protein function. In summary, the available evidence is currently insufficient to determine the role of this variant in disease. Therefore, it has been classified as a Variant of Uncertain Significance. Algorithms developed to predict the effect of sequence changes on RNA splicing suggest that this variant may create or strengthen a splice site. ClinVar contains an entry for this variant (Variation ID: 2186201). This variant has not been reported in the literature in individuals affected with POMGNT1-related conditions. This variant is not present in population databases (gnomAD no frequency). This sequence change replaces alanine, which is neutral and non-polar, with serine, which is neutral and polar, at codon 305 of the POMGNT1 protein (p.Ala305Ser).

NM_017739.4(POMGNT1):c.913G>T (p.Ala305Ser)

Genes: POMGNT1 (protein O-linked mannose N-acetylglucosaminyltransferase 1 (beta 1,2-); minus strand), TSPAN1 (tetraspanin 1; plus strand). Cytogenetic location: 1p34.1.
Variant type: single nucleotide variant.
Coding change: c.913G>T on transcript NM_017739.4 (MANE Select); coding-DNA position 913, G replaced by T.
Protein change: p.Ala305Ser; replaces alanine 305 with serine.
Molecular consequence: missense variant.
Genome position (GRCh38, 1-based): chr1:46,193,892, C>A on the plus strand (G>T on the coding strand, the complement: POMGNT1 is on the minus strand). VCF-style: chr1-46193892-C-A. GRCh37 (hg19) VCF-style: chr1-46659564-C-A.
Other names: c.913G>T, p.Ala305Ser (NM_001243766.2, NM_001410783.1); c.847G>T, p.Ala283Ser (NM_001290129.3); c.484G>T, p.Ala162Ser (NM_001290130.2); short protein forms A162S, A283S, A305S.
Identifiers: ClinVar variation 2186201 (VCV002186201.4), dbSNP rs2525416877, ClinGen allele CA340181695.